The following is an entry in ClinVar:

ClinVar aggregate classification (germline): Uncertain significance. Review status: criteria provided, multiple submitters, no conflicts (2 of 4 stars). 2 submissions from 2 submitters: Uncertain significance (2). Last evaluated 2025-08-19.

Conditions:
Inborn genetic diseases. Identifiers: MedGen C0950123, MeSH D030342.

Allele frequency attached by ClinVar (database versions not stated): gnomAD exomes 0.00001.
gnomAD v4.1: 4 of 1,408,822 alleles (0.00028%); highest among the groups gnomAD compares: Admixed American, 0.013%; no homozygotes.

Submissions (2):

Ambry Genetics
Classification: Uncertain significance for Inborn genetic diseases. Last evaluated: 2025-08-19. Review status: criteria provided, single submitter. Criteria: Ambry Variant Classification Scheme 2023. Collection method: clinical testing. Allele origin: germline.

Labcorp Genetics (formerly Invitae), Labcorp
Classification: Uncertain significance. Last evaluated: 2024-01-12. Review status: criteria provided, single submitter. Criteria: Invitae Variant Classification Sherloc (09022015). Collection method: clinical testing. Allele origin: germline.
Comment: This sequence change replaces glycine, which is neutral and non-polar, with cysteine, which is neutral and slightly polar, at codon 80 of the DNAH9 protein (p.Gly80Cys). The frequency data for this variant in the population databases is considered unreliable, as metrics indicate poor data quality at this position in the gnomAD database. This variant has not been reported in the literature in individuals affected with DNAH9-related conditions. An algorithm developed to predict the effect of missense changes on protein structure and function (PolyPhen-2) suggests that this variant is likely to be disruptive. In summary, the available evidence is currently insufficient to determine the role of this variant in disease. Therefore, it has been classified as a Variant of Uncertain Significance.

NM_001372.4(DNAH9):c.238G>T (p.Gly80Cys)

Gene: DNAH9 (dynein axonemal heavy chain 9; plus strand). Cytogenetic location: 17p12.
Variant type: single nucleotide variant.
Coding change: c.238G>T on transcript NM_001372.4 (MANE Select); coding-DNA position 238, G replaced by T.
Protein change: p.Gly80Cys; replaces glycine 80 with cysteine.
Molecular consequence: missense variant.
Genome position (GRCh38, 1-based): chr17:11,598,736, G>T. VCF-style: chr17-11598736-G-T. GRCh37 (hg19) VCF-style: chr17-11502053-G-T.
Other names: c.238G>T (NM_001372.3); short protein forms G80C.
Identifiers: ClinVar variation 2863249 (VCV002863249.3), dbSNP rs749338008, ClinGen allele CA8394468.
Genomic context (GRCh38, chr17:11,598,736, plus strand): 5'-CTGGGCCGCGATGCTGCCGAGGGGCCGCGGCCGCTGCTGGTGGTGCGGCCCGGGCCCAGG[G>T]GCCTGGCAATACGCCCCGGGCTGGAGGTGGGACCTGAGTCGGGCCTGGCTGGCGCTAAGG-3'
Protein context (NP_001363.2, residues 70-90): PLLVVRPGPR[Gly80Cys]LAIRPGLEVG